The following is an entry in ClinVar:

ClinVar aggregate classification (germline): Uncertain significance (1 of 4 stars; one submission).

Conditions:
Inosine triphosphatase deficiency. Also called: INOSINE TRIPHOSPHATE PYROPHOSPHOHYDROLASE DEFICIENCY. Identifiers: MedGen C0342800, MONDO:0013461, OMIM 613850.

Allele frequency attached by ClinVar (database versions not stated): gnomAD exomes below 0.00001.
gnomAD v4.1: 2 of 1,613,956 alleles (0.00012%); highest among the groups gnomAD compares: Admixed American, 0.0017%; no homozygotes.

Submission:

Labcorp Genetics (formerly Invitae), Labcorp
Classification: Uncertain significance for Inosine triphosphatase deficiency. Last evaluated: 2022-06-27. Review status: criteria provided, single submitter. Criteria: Invitae Variant Classification Sherloc (09022015). Collection method: clinical testing. Allele origin: germline.
Comment: This sequence change affects codon 22 of the ITPA mRNA. It is a 'silent' change, meaning that it does not change the encoded amino acid sequence of the ITPA protein. This variant also falls at the last nucleotide of exon 1, which is part of the consensus splice site for this exon. This variant is present in population databases (no rsID available, gnomAD 0.003%). This variant has not been reported in the literature in individuals affected with ITPA-related conditions. ClinVar contains an entry for this variant (Variation ID: 860492). Variants that disrupt the consensus splice site are a relatively common cause of aberrant splicing (PMID: 17576681, 9536098). Algorithms developed to predict the effect of sequence changes on RNA splicing suggest that this variant may disrupt the consensus splice site. In summary, the available evidence is currently insufficient to determine the role of this variant in disease. Therefore, it has been classified as a Variant of Uncertain Significance.

Literature cited by the submitters: PubMed 17576681; PubMed 9536098.

NM_033453.4(ITPA):c.66G>A (p.Glu22=)

Gene: ITPA (inosine triphosphatase; plus strand). Cytogenetic location: 20p13.
Variant type: single nucleotide variant.
Coding change: c.66G>A on transcript NM_033453.4 (MANE Select); coding-DNA position 66, G replaced by A.
Protein change: p.Glu22=; no amino-acid change (glutamic acid 22 retained).
Molecular consequence: synonymous variant. On other transcripts: 5 prime UTR variant (1), non-coding transcript variant (1), intron variant (4).
Genome position (GRCh38, 1-based): chr20:3,209,617, G>A. VCF-style: chr20-3209617-G-A. GRCh37 (hg19) VCF-style: chr20-3190263-G-A.
Other names: c.66G>A, p.Glu22= (NM_001267623.2, NM_001324240.2); c.-275G>A (NM_001324236.2); c.-272+584G>A (NM_001324237.2); c.-275+584G>A (NM_001324238.2); c.15+51G>A (NM_181493.4); c.-275+82G>A (NM_001351739.2).
Identifiers: ClinVar variation 860492 (VCV000860492.10), dbSNP rs1413585093, ClinGen allele CA509411139.